The following is an entry in ClinVar:

ClinVar aggregate classification (germline): Conflicting classifications of pathogenicity. Review status: criteria provided, conflicting classifications (1 of 4 stars). 8 submissions from 7 submitters: Uncertain significance (1); Benign (1); Likely benign (6). Last evaluated 2026-01-20.

Conditions:
DYNC1H1-related disorder. Also called: DYNC1H1-related disorders; DYNC1H1-related condition. Identifiers: MedGen CN381529.
Autosomal dominant cerebellar ataxia. Also called: Spinocerebellar Ataxia, Dominant. Identifiers: Orphanet 99, MedGen C4087347, MONDO:0020380.
Charcot-Marie-Tooth disease axonal type 2O. Also called: Charcot-Marie-Tooth Neuropathy Type 2O; CHARCOT-MARIE-TOOTH NEUROPATHY, AXONAL, TYPE 2O; CHARCOT-MARIE-TOOTH DISEASE, AXONAL, AUTOSOMAL DOMINANT, TYPE 2O; Charcot-Marie-Tooth disease, axonal, type 20. Identifiers: Orphanet 284232, MedGen C3280220, MONDO:0013644, OMIM 614228.
Inborn genetic diseases. Identifiers: MedGen C0950123, MeSH D030342.

Allele frequency attached by ClinVar (database versions not stated): gnomAD 0.00004 and 0.00006; gnomAD exomes 0.00005 and 0.00007; TOPMed 0.00006; ExAC 0.00008; 1000 Genomes Project 30x 0.00031; 1000 Genomes Project 0.00040.
gnomAD v4.1: 93 of 1,612,930 alleles (0.0058%); highest among the groups gnomAD compares: East Asian, 0.13%; no homozygotes.

Submissions (8):

PreventionGenetics, part of Exact Sciences
Classification: Likely benign for DYNC1H1-related condition. Last evaluated: 2026-01-20. Review status: criteria provided, single submitter. Criteria: ACMG Guidelines, 2015. Collection method: clinical testing. Allele origin: germline.
Comment: This variant is classified as likely benign based on ACMG/AMP sequence variant interpretation guidelines (Richards et al. 2015 PMID: 25741868, with internal and published modifications).

Women's Health and Genetics/Laboratory Corporation of America, LabCorp
Classification: Benign. Last evaluated: 2025-11-11. Review status: criteria provided, single submitter. Criteria: LabCorp Variant Classification Summary - May 2015. Collection method: clinical testing. Allele origin: germline.

Labcorp Genetics (formerly Invitae), Labcorp
Classification: Likely benign for Charcot-Marie-Tooth disease axonal type 2O. Last evaluated: 2025-11-06. Review status: criteria provided, single submitter. Criteria: Invitae Variant Classification Sherloc (09022015). Collection method: clinical testing. Allele origin: germline.

Blueprint Genetics
Classification: Likely benign. Last evaluated: 2024-01-23. Review status: criteria provided, single submitter. Criteria: ACMG Guidelines, 2015. Collection method: clinical testing. Allele origin: germline.

GeneDx
Classification: Likely benign. Last evaluated: 2020-06-08. Review status: criteria provided, single submitter. Criteria: GeneDx Variant Classification Process June 2021. Collection method: clinical testing. Allele origin: germline. Affected: yes.

Ambry Genetics
Classification: Likely benign for Inborn genetic diseases. Last evaluated: 2018-06-20. Review status: criteria provided, single submitter. Criteria: Ambry Variant Classification Scheme 2023. Collection method: clinical testing. Allele origin: germline.

Illumina Laboratory Services, Illumina
Classification: Uncertain significance for Charcot-Marie-Tooth disease axonal type 2O. Last evaluated: 2018-01-12. Review status: criteria provided, single submitter. Criteria: ICSL Variant Classification Criteria 13 December 2019. Collection method: clinical testing. Allele origin: germline.

Illumina Laboratory Services, Illumina
Classification: Likely benign for Spinocerebellar Ataxia, Dominant. Last evaluated: 2018-01-12. Review status: criteria provided, single submitter. Criteria: ICSL Variant Classification Criteria 13 December 2019. Collection method: clinical testing. Allele origin: germline.
Comment: This variant was observed in the ICSL laboratory as part of a predisposition screen in an ostensibly healthy population. It had not been previously curated by ICSL or reported in the Human Gene Mutation Database (HGMD: prior to June 1st, 2018), and was therefore a candidate for classification through an automated scoring system. Utilizing variant allele frequency, disease prevalence and penetrance estimates, and inheritance mode, an automated score was calculated to assess if this variant is too frequent to cause the disease. Based on the score and internal cut-off values, a variant classified as likely benign is not then subjected to further curation. The score for this variant resulted in a classification of likely benign for this disease.

NM_001376.5(DYNC1H1):c.13152G>A (p.Ala4384=)

Gene: DYNC1H1 (dynein cytoplasmic 1 heavy chain 1; plus strand). Cytogenetic location: 14q32.31.
Variant type: single nucleotide variant.
Coding change: c.13152G>A on transcript NM_001376.5 (MANE Select); coding-DNA position 13152, G replaced by A.
Protein change: p.Ala4384=; no amino-acid change (alanine 4384 retained).
Molecular consequence: synonymous variant.
Genome position (GRCh38, 1-based): chr14:102,047,962, G>A. VCF-style: chr14-102047962-G-A. GRCh37 (hg19) VCF-style: chr14-102514299-G-A.
Identifiers: ClinVar variation 312661 (VCV000312661.21), dbSNP rs536121075, ClinGen allele CA7354157.